The following is an entry in ClinVar:

NM_001457.4(FLNB):c.5153A>C (p.Asn1718Thr)

Gene: FLNB (filamin B; plus strand). Cytogenetic location: 3p14.3.
Variant type: single nucleotide variant.
Coding change: c.5153A>C on transcript NM_001457.4 (MANE Select); coding-DNA position 5153, A replaced by C.
Protein change: p.Asn1718Thr; replaces asparagine 1718 with threonine.
Molecular consequence: missense variant. On other transcripts: intron variant (2).
Genome position (GRCh38, 1-based): chr3:58,141,901, A>C. VCF-style: chr3-58141901-A-C. GRCh37 (hg19) VCF-style: chr3-58127628-A-C.
Other names: c.5246A>C, p.Asn1749Thr (NM_001164317.2); c.5148+5A>C (NM_001164318.2); c.5110-749A>C (NM_001164319.2); short protein forms N1749T, N1718T.
Identifiers: ClinVar variation 4620075 (VCV004620075.2).

ClinVar aggregate classification (germline): Uncertain significance. Review status: criteria provided, multiple submitters, no conflicts (2 of 4 stars). 2 submissions from 2 submitters: Uncertain significance (2). Last evaluated 2025-09-28.

Conditions:
Inborn genetic diseases. Identifiers: MedGen C0950123, MeSH D030342.

gnomAD v4.1: 4 of 1,614,032 alleles (0.00025%); highest among the groups gnomAD compares: African/African-American, 0.004%; no homozygotes.

Submissions (2):

Ambry Genetics
Classification: Uncertain significance for Inborn genetic diseases. Last evaluated: 2025-09-28. Review status: criteria provided, single submitter. Criteria: Ambry Variant Classification Scheme 2023. Collection method: clinical testing. Allele origin: germline.

Labcorp Genetics (formerly Invitae), Labcorp
Classification: Uncertain significance. Last evaluated: 2025-04-22. Review status: criteria provided, single submitter. Criteria: Invitae Variant Classification Sherloc (09022015). Collection method: clinical testing. Allele origin: germline.
Comment: This sequence change replaces asparagine, which is neutral and polar, with threonine, which is neutral and polar, at codon 1718 of the FLNB protein (p.Asn1718Thr). This variant is not present in population databases (gnomAD no frequency). This variant has not been reported in the literature in individuals affected with FLNB-related conditions. Invitae Evidence Modeling of protein sequence and biophysical properties (such as structural, functional, and spatial information, amino acid conservation, physicochemical variation, residue mobility, and thermodynamic stability) indicates that this missense variant is not expected to disrupt FLNB protein function with a negative predictive value of 95%. In summary, the available evidence is currently insufficient to determine the role of this variant in disease. Therefore, it has been classified as a Variant of Uncertain Significance.